The following is an entry in ClinVar:

NM_000168.6(GLI3):c.12G>T (p.Gln4His)

Gene: GLI3 (GLI family zinc finger 3; minus strand). Cytogenetic location: 7p14.1.
Variant type: single nucleotide variant.
Coding change: c.12G>T on transcript NM_000168.6 (MANE Select); coding-DNA position 12, G replaced by T.
Protein change: p.Gln4His; replaces glutamine 4 with histidine.
Molecular consequence: missense variant.
Genome position (GRCh38, 1-based): chr7:42,223,242, C>A on the plus strand (G>T on the coding strand, the complement: GLI3 is on the minus strand). VCF-style: chr7-42223242-C-A. GRCh37 (hg19) VCF-style: chr7-42262841-C-A.
Other names: short protein forms Q4H.
Identifiers: ClinVar variation 2940922 (VCV002940922.3), dbSNP rs759398617, ClinGen allele CA367551320.

ClinVar aggregate classification (germline): Uncertain significance (1 of 4 stars; one submission).

Conditions:
Pallister-Hall syndrome (PHS). Also called: HYPOTHALAMIC HAMARTOBLASTOMA, HYPOPITUITARISM, IMPERFORATE ANUS, AND POSTAXIAL POLYDACTYLY; GLI3-Related Pallister-Hall Syndrome. Identifiers: Orphanet 672, MedGen C0265220, MONDO:0007804, OMIM 146510.
Greig cephalopolysyndactyly syndrome (GCPS). Also called: POLYSYNDACTYLY WITH PECULIAR SKULL SHAPE; Greig syndrome; GLI3-Related Greig Cephalopolysyndactyly Syndrome. Identifiers: Orphanet 380, MedGen C0265306, MONDO:0008287, OMIM 175700.

Submission:

Labcorp Genetics (formerly Invitae), Labcorp
Classification: Uncertain significance for Pallister-Hall syndrome; Greig cephalopolysyndactyly syndrome. Last evaluated: 2025-04-17. Review status: criteria provided, single submitter. Criteria: Invitae Variant Classification Sherloc (09022015). Collection method: clinical testing. Allele origin: germline.
Comment: This sequence change replaces glutamine, which is neutral and polar, with histidine, which is basic and polar, at codon 4 of the GLI3 protein (p.Gln4His). This variant is not present in population databases (gnomAD no frequency). This variant has not been reported in the literature in individuals affected with GLI3-related conditions. ClinVar contains an entry for this variant (Variation ID: 2940922). Invitae Evidence Modeling of protein sequence and biophysical properties (such as structural, functional, and spatial information, amino acid conservation, physicochemical variation, residue mobility, and thermodynamic stability) indicates that this missense variant is not expected to disrupt GLI3 protein function with a negative predictive value of 95%. In summary, the available evidence is currently insufficient to determine the role of this variant in disease. Therefore, it has been classified as a Variant of Uncertain Significance.